The following is an entry in ClinVar:

ClinVar aggregate classification (germline): Uncertain significance. Review status: criteria provided, multiple submitters, no conflicts (2 of 4 stars). 2 submissions from 2 submitters: Uncertain significance (2). Last evaluated 2024-01-23.

Allele frequency attached by ClinVar (database versions not stated): gnomAD exomes below 0.00001 and 0.00001; ExAC 0.00001; gnomAD 0.00002; TOPMed 0.00002.
gnomAD v4.1: 12 of 1,613,910 alleles (0.00074%); highest among the groups gnomAD compares: Admixed American, 0.0017%; no homozygotes.

Submissions (2):

Blueprint Genetics
Classification: Uncertain significance. Last evaluated: 2024-01-23. Review status: criteria provided, single submitter. Criteria: ACMG Guidelines, 2015. Collection method: clinical testing. Allele origin: germline.

Labcorp Genetics (formerly Invitae), Labcorp
Classification: Uncertain significance. Last evaluated: 2021-10-07. Review status: criteria provided, single submitter. Criteria: Invitae Variant Classification Sherloc (09022015). Collection method: clinical testing. Allele origin: germline.
Comment: This sequence change replaces lysine with asparagine at codon 611 of the SLC24A1 protein (p.Lys611Asn). The lysine residue is highly conserved and there is a moderate physicochemical difference between lysine and asparagine. This variant is present in population databases (rs756856037, ExAC 0.009%). This variant has not been reported in the literature in individuals affected with SLC24A1-related conditions. Algorithms developed to predict the effect of missense changes on protein structure and function (SIFT, PolyPhen-2, Align-GVGD) all suggest that this variant is likely to be disruptive. In summary, the available evidence is currently insufficient to determine the role of this variant in disease. Therefore, it has been classified as a Variant of Uncertain Significance.

NM_004727.3(SLC24A1):c.1833G>C (p.Lys611Asn)

Gene: SLC24A1 (solute carrier family 24 member 1; plus strand). Cytogenetic location: 15q22.31.
Variant type: single nucleotide variant.
Coding change: c.1833G>C on transcript NM_004727.3 (MANE Select); coding-DNA position 1833, G replaced by C.
Protein change: p.Lys611Asn; replaces lysine 611 with asparagine.
Molecular consequence: missense variant.
Genome position (GRCh38, 1-based): chr15:65,625,913, G>C. VCF-style: chr15-65625913-G-C. GRCh37 (hg19) VCF-style: chr15-65918251-G-C.
Other names: c.1833G>C, p.Lys611Asn (NM_001301031.1, NM_001301032.1, NM_001301033.2); short protein forms K611N.
Identifiers: ClinVar variation 1523236 (VCV001523236.4), dbSNP rs756856037, ClinGen allele CA7619979.